The following is an entry in ClinVar:

ClinVar aggregate classification (germline): Benign. Review status: criteria provided, multiple submitters, no conflicts (2 of 4 stars). 2 submissions from 2 submitters: Benign (2). Last evaluated 2016-03-29.

Allele frequency attached by ClinVar (database versions not stated): 1000 Genomes Project 0.28235; 1000 Genomes Project 30x 0.36477; gnomAD 0.36913.

Submissions (2):

Laboratory for Molecular Medicine, Mass General Brigham Personalized Medicine
Classification: Benign. Last evaluated: 2016-03-29. Review status: criteria provided, single submitter. Criteria: LMM Criteria. Collection method: clinical testing. Allele origin: germline.
Comment: Variant identified in a genome or exome case(s) and assessed due to predicted null impact of the variant or pathogenic assertions in the literature or databases. Disclaimer: This variant has not undergone full assessment. The following are preliminary notes: Frequency

Breakthrough Genomics
Classification: Benign. Review status: criteria provided, single submitter. Criteria: ACMG Guidelines, 2015. Collection method: not provided. Allele origin: germline. Inheritance: Unknown mechanism. Affected: yes.

NM_138420.4(AHNAK2):c.6559A>G (p.Met2187Val)

Gene: AHNAK2 (AHNAK nucleoprotein 2; minus strand). Cytogenetic location: 14q32.33.
Variant type: single nucleotide variant.
Coding change: c.6559A>G on transcript NM_138420.4 (MANE Select); coding-DNA position 6559, A replaced by G.
Protein change: p.Met2187Val; replaces methionine 2187 with valine.
Molecular consequence: missense variant.
Genome position (GRCh38, 1-based): chr14:104,948,892, T>C on the plus strand (A>G on the coding strand, the complement: AHNAK2 is on the minus strand). VCF-style: chr14-104948892-T-C. GRCh37 (hg19) VCF-style: chr14-105415229-T-C.
Other names: c.6259A>G, p.Met2087Val (NM_001350929.2); short protein forms M2187V, M2087V.
Identifiers: ClinVar variation 402351 (VCV000402351.5), dbSNP rs10134675, ClinGen allele CA7381055.